The following is an entry in ClinVar:

NM_002691.4(POLD1):c.470G>A (p.Gly157Glu)

Gene: POLD1 (DNA polymerase delta 1, catalytic subunit; plus strand). Cytogenetic location: 19q13.33.
Variant type: single nucleotide variant.
Coding change: c.470G>A on transcript NM_002691.4 (MANE Select); coding-DNA position 470, G replaced by A.
Protein change: p.Gly157Glu; replaces glycine 157 with glutamic acid.
Molecular consequence: missense variant. On other transcripts: non-coding transcript variant (1).
Genome position (GRCh38, 1-based): chr19:50,402,005, G>A. VCF-style: chr19-50402005-G-A. GRCh37 (hg19) VCF-style: chr19-50905262-G-A.
Other names: c.470G>A, p.Gly157Glu (NM_001256849.1, NM_001308632.1); short protein forms G157E.
Identifiers: ClinVar variation 579596 (VCV000579596.5), dbSNP rs1568619275, ClinGen allele CA406972889.
Genomic context (GRCh38, chr19:50,402,005, plus strand): 5'-CCCTCCCTGAGCCACTGGAGCCCCCTGCACCTCTGATCATCCCTCCCACACCAGGTTTCG[G>A]GCCCGAGCACATGGGTGACCTGCAACGGGAGCTGAACTTGGCCATCAGCCGGGACAGTCG-3'
Protein context (NP_002682.2, residues 147-167): YFYTPAPPGF[Gly157Glu]PEHMGDLQRE

ClinVar aggregate classification (germline): Uncertain significance (1 of 4 stars; one submission).

Conditions:
POLD1-related polyposis and colorectal cancer syndrome (CRCS10). Also called: Colorectal cancer 10; COLORECTAL CANCER, SUSCEPTIBILITY TO, ON CHROMOSOME 19q; Colorectal cancer, susceptibility to, 10. Identifiers: Orphanet 220460, MedGen C2675481, MONDO:0012953, OMIM 612591.

Submission:

Labcorp Genetics (formerly Invitae), Labcorp
Classification: Uncertain significance for POLD1-related polyposis and colorectal cancer syndrome. Last evaluated: 2026-01-18. Review status: criteria provided, single submitter. Criteria: Invitae Variant Classification Sherloc (09022015). Collection method: clinical testing. Allele origin: germline.
Comment: This sequence change replaces glycine, which is neutral and non-polar, with glutamic acid, which is acidic and polar, at codon 157 of the POLD1 protein (p.Gly157Glu). This variant is not present in population databases (gnomAD no frequency). This variant has not been reported in the literature in individuals affected with POLD1-related conditions. ClinVar contains an entry for this variant (Variation ID: 579596). Invitae Evidence Modeling of protein sequence and biophysical properties (such as structural, functional, and spatial information, amino acid conservation, physicochemical variation, residue mobility, and thermodynamic stability) indicates that this missense variant is not expected to disrupt POLD1 protein function with a negative predictive value of 80%. In summary, the available evidence is currently insufficient to determine the role of this variant in disease. Therefore, it has been classified as a Variant of Uncertain Significance.